The following is an entry in ClinVar:

ClinVar aggregate classification (germline): Pathogenic (1 of 4 stars; one submission).

Conditions:
Dyskeratosis congenita, autosomal recessive 6 (DKCB6). Identifiers: MedGen C4225356, MONDO:0014600, OMIM 616353.
Pulmonary fibrosis and/or bone marrow failure, Telomere-related, 4. Also called: PULMONARY FIBROSIS AND/OR BONE MARROW FAILURE SYNDROME, TELOMERE-RELATED, 4. Identifiers: Orphanet 2032, MedGen C4225347, MONDO:0014612, OMIM 616371.

Submission:

Labcorp Genetics (formerly Invitae), Labcorp
Classification: Pathogenic for Dyskeratosis congenita, autosomal recessive 6; Pulmonary fibrosis and/or bone marrow failure, Telomere-related, 4. Last evaluated: 2022-09-06. Review status: criteria provided, single submitter. Criteria: Invitae Variant Classification Sherloc (09022015). Collection method: clinical testing. Allele origin: germline.
Comment: For these reasons, this variant has been classified as Pathogenic. This variant has not been reported in the literature in individuals affected with PARN-related conditions. This variant is not present in population databases (gnomAD no frequency). This sequence change creates a premature translational stop signal (p.Tyr238*) in the PARN gene. It is expected to result in an absent or disrupted protein product. Loss-of-function variants in PARN are known to be pathogenic (PMID: 9736620, 25848748, 26810774).

Literature cited by the submitters: PubMed 9736620; PubMed 25848748; PubMed 26810774.

NM_002582.4(PARN):c.714del (p.Arg237_Tyr238insTer)

Gene: PARN (poly(A)-specific ribonuclease; minus strand). Cytogenetic location: 16p13.12.
Variant type: Deletion.
Coding change: c.714del on transcript NM_002582.4 (MANE Select); coding-DNA position 714, one base deleted (T; older notation c.714delT).
Protein change: p.Arg237_Tyr238insTer.
Molecular consequence: nonsense.
Genome position (GRCh38, 1-based): chr16:14,604,215, A deleted on the plus strand (T on the coding strand, the reverse complement: PARN is on the minus strand). VCF-style (leftmost placement, unchanged base first): chr16-14604214-TA-T. GRCh37 (hg19) VCF-style: chr16-14698071-TA-T.
Other names: c.531del, p.Arg176_Tyr177insTer (NM_001134477.3); c.576del, p.Arg191_Tyr192insTer (NM_001242992.2).
Identifiers: ClinVar variation 2029210 (VCV002029210.4), dbSNP rs2508228130, ClinGen allele CA2580090730.